The following is an entry in ClinVar:

NM_004113.6(FGF12):c.160G>C (p.Val54Leu)

Gene: FGF12 (fibroblast growth factor 12; minus strand). Cytogenetic location: 3q28.
Variant type: single nucleotide variant.
Coding change: c.160G>C on transcript NM_004113.6 (MANE Select); coding-DNA position 160, G replaced by C.
Protein change: p.Val54Leu; replaces valine 54 with leucine.
Molecular consequence: missense variant.
Genome position (GRCh38, 1-based): chr3:192,335,429, C>G on the plus strand (G>C on the coding strand, the complement: FGF12 is on the minus strand). VCF-style: chr3-192335429-C-G. GRCh37 (hg19) VCF-style: chr3-192053218-C-G.
Other names: c.49G>C, p.Val17Leu (NM_001377292.1); c.88G>C, p.Val30Leu (NM_001377293.1, NM_001377294.1); c.346G>C, p.Val116Leu (NM_021032.5); short protein forms V17L, V54L, V116L, V30L.
Identifiers: ClinVar variation 4742087 (VCV004742087.1).

ClinVar aggregate classification (germline): Uncertain significance (1 of 4 stars; one submission).

Submission:

Labcorp Genetics (formerly Invitae), Labcorp
Classification: Uncertain significance. Last evaluated: 2026-01-09. Review status: criteria provided, single submitter. Criteria: Invitae Variant Classification Sherloc (09022015). Collection method: clinical testing. Allele origin: germline.
Comment: This sequence change replaces valine, which is neutral and non-polar, with leucine, which is neutral and non-polar, at codon 116 of the FGF12 protein (p.Val116Leu). This variant is not present in population databases (gnomAD no frequency). This variant has not been reported in the literature in individuals affected with FGF12-related conditions. Invitae Evidence Modeling of protein sequence and biophysical properties (such as structural, functional, and spatial information, amino acid conservation, physicochemical variation, residue mobility, and thermodynamic stability) indicates that this missense variant is not expected to disrupt FGF12 protein function with a negative predictive value of 80%. In summary, the available evidence is currently insufficient to determine the role of this variant in disease. Therefore, it has been classified as a Variant of Uncertain Significance.